The following is an entry in ClinVar:

NM_005633.4(SOS1):c.8C>T (p.Ala3Val)

Genes: SOS1 (SOS Ras/Rac guanine nucleotide exchange factor 1; minus strand), LOC129933535 (ATAC-STARR-seq lymphoblastoid silent region 11384; plus strand). Cytogenetic location: 2p22.1.
Variant type: single nucleotide variant.
Coding change: c.8C>T on transcript NM_005633.4 (MANE Select); coding-DNA position 8, C replaced by T.
Protein change: p.Ala3Val; replaces alanine 3 with valine.
Molecular consequence: missense variant. On other transcripts: intron variant (1).
Genome position (GRCh38, 1-based): chr2:39,120,415, G>A on the plus strand (C>T on the coding strand, the complement: SOS1 is on the minus strand). VCF-style: chr2-39120415-G-A. GRCh37 (hg19) VCF-style: chr2-39347556-G-A.
Other names: c.8C>T, p.Ala3Val (NM_001382395.1); c.66+4249C>T (NM_001382394.1); short protein forms A3V.
Identifiers: ClinVar variation 2903082 (VCV002903082.3), dbSNP rs745455374, ClinGen allele CA1624906.

ClinVar aggregate classification (germline): Uncertain significance (1 of 4 stars; one submission).

Conditions:
RASopathy. Also called: Noonan spectrum disorder; rasopathies. Identifiers: Orphanet 536391, MedGen C5555857, MONDO:0021060.

Allele frequency attached by ClinVar (database versions not stated): gnomAD exomes below 0.00001; ExAC 0.00001.
gnomAD v4.1: 2 of 1,590,234 alleles (0.00013%); highest among the groups gnomAD compares: South Asian, 0.0023%; no homozygotes.

Submission:

Labcorp Genetics (formerly Invitae), Labcorp
Classification: Uncertain significance for RASopathy. Last evaluated: 2025-07-20. Review status: criteria provided, single submitter. Criteria: Invitae Variant Classification Sherloc (09022015). Collection method: clinical testing. Allele origin: germline.
Comment: This sequence change replaces alanine, which is neutral and non-polar, with valine, which is neutral and non-polar, at codon 3 of the SOS1 protein (p.Ala3Val). The frequency data for this variant in the population databases is considered unreliable, as metrics indicate poor data quality at this position in the gnomAD database. This variant has not been reported in the literature in individuals affected with SOS1-related conditions. ClinVar contains an entry for this variant (Variation ID: 2903082). Invitae Evidence Modeling of protein sequence and biophysical properties (such as structural, functional, and spatial information, amino acid conservation, physicochemical variation, residue mobility, and thermodynamic stability) indicates that this missense variant is not expected to disrupt SOS1 protein function with a negative predictive value of 95%. In summary, the available evidence is currently insufficient to determine the role of this variant in disease. Therefore, it has been classified as a Variant of Uncertain Significance.